The following is an entry in ClinVar:

NM_173660.5(DOK7):c.886_887inv (p.Gln296Trp)

Gene: DOK7 (docking protein 7; plus strand). Cytogenetic location: 4p16.3.
Variant type: Inversion.
Coding change: c.886_887inv on transcript NM_173660.5 (MANE Select).
Protein change: p.Gln296Trp; replaces glutamine 296 with tryptophan.
Molecular consequence: missense variant. On other transcripts: 3 prime UTR variant (1), 5 prime UTR variant (1).
Genome position: GRCh38 VCF-style: chr4-3492872-CA-TG. GRCh37 (hg19) VCF-style: chr4-3494599-CA-TG.
Other names: c.*107_*108inv (NM_001164673.2); c.-45_-44inv (NM_001256896.2); c.886_887inv, p.Gln296Trp (NM_001301071.2); c.454_455inv, p.Gln152Trp (NM_001363811.2); short protein forms Q152W, Q296W.
Identifiers: ClinVar variation 465691 (VCV000465691.2), ClinGen allele CA658657371.

ClinVar aggregate classification (germline): Uncertain significance (1 of 4 stars; one submission).

Conditions:
Fetal akinesia deformation sequence 1 (FADS1). Also called: Fetal akinesia sequence; Pena-Shokeir syndrome type I. Identifiers: Orphanet 994, MedGen C1276035, MONDO:0100101, OMIM 208150, HP:0001989.
Congenital myasthenic syndrome 10. Also called: Myasthenia, limb-girdle, familial. Identifiers: Orphanet 590, MedGen C1850792, MONDO:0009690, OMIM 254300.

Submission:

Labcorp Genetics (formerly Invitae), Labcorp
Classification: Uncertain significance for Myasthenia, limb-girdle, familial; Pena-Shokeir syndrome type I. Last evaluated: 2019-05-07. Review status: criteria provided, single submitter. Criteria: Invitae Variant Classification Sherloc (09022015). Collection method: clinical testing. Allele origin: germline.
Comment: This sequence change replaces glutamine with tryptophan at codon 296 of the DOK7 protein (p.Gln296Trp). The glutamine residue is moderately conserved and there is a moderate physicochemical difference between glutamine and tryptophan. This variant is not present in population databases (ExAC no frequency). This variant has not been reported in the literature in individuals with DOK7-related conditions. ClinVar contains an entry for this variant (Variation ID: 465691). Algorithms developed to predict the effect of missense changes on protein structure and function do not agree on the potential impact of this missense change (SIFT: "C15"; PolyPhen-2: "Possibly Damaging"; Align-GVGD: "Deleterious"). In summary, the available evidence is currently insufficient to determine the role of this variant in disease. Therefore, it has been classified as a Variant of Uncertain Significance.